The following is an entry in ClinVar:

NM_000038.6(APC):c.3837T>G (p.Ser1279=)

Gene: APC (APC regulator of Wnt signaling pathway; plus strand). Cytogenetic location: 5q22.2.
Variant type: single nucleotide variant.
Coding change: c.3837T>G on transcript NM_000038.6 (MANE Select); coding-DNA position 3837, T replaced by G.
Protein change: p.Ser1279=; no amino-acid change (serine 1279 retained).
Molecular consequence: synonymous variant.
Genome position (GRCh38, 1-based): chr5:112,839,431, T>G. VCF-style: chr5-112839431-T-G. GRCh37 (hg19) VCF-style: chr5-112175128-T-G.
Other names: c.3753T>G, p.Ser1251= (NM_001354899.2); c.3714T>G, p.Ser1238= (NM_001354900.2); c.3660T>G, p.Ser1220= (NM_001354901.2); c.3564T>G, p.Ser1188= (NM_001354902.2); c.3534T>G, p.Ser1178= (NM_001354903.2); c.3459T>G, p.Ser1153= (NM_001354904.2); c.3357T>G, p.Ser1119= (NM_001354905.2); c.2988T>G, p.Ser996= (NM_001354906.2); and 5 more.
Identifiers: ClinVar variation 386409 (VCV000386409.22), dbSNP rs1057522493, ClinGen allele CA16604748.

ClinVar aggregate classification (germline): Benign/Likely benign. Review status: criteria provided, multiple submitters, no conflicts (2 of 4 stars). 7 submissions from 7 submitters: Benign (1); Likely benign (6). Last evaluated 2025-08-31.

Conditions:
Classic or attenuated familial adenomatous polyposis. Identifiers: MedGen CN372698, MONDO:0021057.
Hereditary cancer-predisposing syndrome. Also called: Hereditary Cancer Syndrome; Hereditary neoplastic syndrome; Neoplastic Syndromes, Hereditary; Tumor predisposition. Identifiers: Orphanet 140162, MedGen C0027672, MeSH D009386, MONDO:0015356.
Familial adenomatous polyposis 1 (FAP1). Also called: FAMILIAL ADENOMATOUS POLYPOSIS 1, ATTENUATED; POLYPOSIS, ADENOMATOUS INTESTINAL. Identifiers: MedGen C2713442, MONDO:0021056, OMIM 175100. Disease mechanism: loss of function.

Allele frequency attached by ClinVar (database versions not stated): gnomAD below 0.00001 and 0.00001; gnomAD exomes 0.00001.
gnomAD v4.1: 14 of 1,614,072 alleles (0.00087%); highest among the groups gnomAD compares: South Asian, 0.013%; no homozygotes.

Submissions (7):

Labcorp Genetics (formerly Invitae), Labcorp
Classification: Likely benign for Familial adenomatous polyposis 1. Last evaluated: 2025-08-31. Review status: criteria provided, single submitter. Criteria: Invitae Variant Classification Sherloc (09022015). Collection method: clinical testing. Allele origin: germline.

All of Us Research Program, National Institutes of Health
Classification: Likely benign for Classic or attenuated familial adenomatous polyposis. Last evaluated: 2024-08-13. Review status: criteria provided, single submitter. Criteria: ACMG Guidelines, 2015. Collection method: clinical testing. Allele origin: germline. Inheritance: Autosomal dominant inheritance. Observed: 2 variant alleles, 2 heterozygotes.
Comment: This study involves interpretation of variants in research participants for the purpose of population health screening. Participant phenotype was not available at the time of variant classification. Additional details can be found in publication PMID: 35346344, PMCID: PMC8962531

Myriad Genetics, Inc.
Classification: Benign for Familial adenomatous polyposis 1. Last evaluated: 2024-03-22. Review status: criteria provided, single submitter. Criteria: Myriad Autosomal Dominant, Autosomal Recessive and X-Linked Classification Criteria (2023). Collection method: clinical testing. Allele origin: unknown.
Comment: This variant is considered benign. This variant is a silent/synonymous amino acid change and it is not expected to impact splicing.

Women's Health and Genetics/Laboratory Corporation of America, LabCorp
Classification: Likely benign. Last evaluated: 2019-08-20. Review status: criteria provided, single submitter. Criteria: LabCorp Variant Classification Summary - May 2015. Collection method: clinical testing. Allele origin: germline.

Color Diagnostics, LLC DBA Color Health
Classification: Likely benign for Hereditary cancer-predisposing syndrome. Last evaluated: 2017-06-19. Review status: criteria provided, single submitter. Criteria: ACMG Guidelines, 2015. Collection method: clinical testing. Allele origin: germline.

Ambry Genetics
Classification: Likely benign for Hereditary cancer-predisposing syndrome. Last evaluated: 2016-12-29. Review status: criteria provided, single submitter. Criteria: Ambry Variant Classification Scheme 2023. Collection method: clinical testing. Allele origin: germline.

GeneDx
Classification: Likely benign. Last evaluated: 2016-05-18. Review status: criteria provided, single submitter. Criteria: GeneDx Variant Classification (06012015). Collection method: clinical testing. Allele origin: germline. Affected: yes.
Comment: This variant is considered likely benign or benign based on one or more of the following criteria: it is a conservative change, it occurs at a poorly conserved position in the protein, it is predicted to be benign by multiple in silico algorithms, and/or has population frequency not consistent with disease.